The following is an entry in ClinVar:

ClinVar aggregate classification (germline): Uncertain significance (1 of 4 stars; one submission).

Allele frequency attached by ClinVar (database versions not stated): gnomAD exomes 0.00001; ExAC 0.00002; gnomAD 0.00004; ESP Exome Variant Server 0.00015.
gnomAD v4.1: 15 of 1,613,620 alleles (0.00093%); highest among the groups gnomAD compares: African/African-American, 0.013%; no homozygotes.

Submission:

Labcorp Genetics (formerly Invitae), Labcorp
Classification: Uncertain significance. Last evaluated: 2022-11-22. Review status: criteria provided, single submitter. Criteria: Invitae Variant Classification Sherloc (09022015). Collection method: clinical testing. Allele origin: germline.
Comment: This sequence change affects codon 343 of the BCAT2 mRNA. It is a 'silent' change, meaning that it does not change the encoded amino acid sequence of the BCAT2 protein. This variant is present in population databases (rs138253411, gnomAD 0.003%). This variant has not been reported in the literature in individuals affected with BCAT2-related conditions. Algorithms developed to predict the effect of sequence changes on RNA splicing suggest that this variant may disrupt the consensus splice site. In summary, the available evidence is currently insufficient to determine the role of this variant in disease. Therefore, it has been classified as a Variant of Uncertain Significance.

NM_001190.4(BCAT2):c.1029G>A (p.Gln343=)

Gene: BCAT2 (branched chain amino acid transaminase 2; minus strand). Cytogenetic location: 19q13.33.
Variant type: single nucleotide variant.
Coding change: c.1029G>A on transcript NM_001190.4 (MANE Select); coding-DNA position 1029, G replaced by A.
Protein change: p.Gln343=; no amino-acid change (glutamine 343 retained).
Molecular consequence: synonymous variant.
Genome position (GRCh38, 1-based): chr19:48,796,614, C>T on the plus strand (G>A on the coding strand, the complement: BCAT2 is on the minus strand). VCF-style: chr19-48796614-C-T. GRCh37 (hg19) VCF-style: chr19-49299871-C-T.
Other names: c.753G>A, p.Gln251= (NM_001164773.2); c.909G>A, p.Gln303= (NM_001284325.2).
Identifiers: ClinVar variation 1989444 (VCV001989444.4), dbSNP rs138253411, ClinGen allele CA9558217.